The following is an entry in ClinVar:

NM_020937.4(FANCM):c.4270C>T (p.Arg1424Ter)

Gene: FANCM (FA complementation group M; plus strand). Cytogenetic location: 14q21.2.
Variant type: single nucleotide variant.
Coding change: c.4270C>T on transcript NM_020937.4 (MANE Select); coding-DNA position 4270, C replaced by T.
Protein change: p.Arg1424Ter; replaces arginine 1424 with a stop codon.
Molecular consequence: nonsense.
Genome position (GRCh38, 1-based): chr14:45,181,477, C>T. VCF-style: chr14-45181477-C-T. GRCh37 (hg19) VCF-style: chr14-45650680-C-T.
Other names: c.4192C>T, p.Arg1398Ter (NM_001308133.2); c.4270C>T (NM_020937.3); short protein forms R1398*, R1424*.
Identifiers: ClinVar variation 1069183 (VCV001069183.13), dbSNP rs751954386, ClinGen allele CA7169672.

ClinVar aggregate classification (germline): Pathogenic/Likely pathogenic. Review status: criteria provided, multiple submitters, no conflicts (2 of 4 stars). 3 submissions from 3 submitters: Pathogenic (2); Likely pathogenic (1). Last evaluated 2025-12-09.

Conditions:
Fanconi anemia (FA). Also called: Fanconi's anemia. Identifiers: Orphanet 84, MedGen C0015625, MeSH D005199, MONDO:0019391.

Allele frequency attached by ClinVar (database versions not stated): TOPMed below 0.00001; gnomAD exomes 0.00001 and 0.00003; ExAC 0.00004.
gnomAD v4.1: 13 of 1,608,326 alleles (0.00081%); highest among the groups gnomAD compares: East Asian, 0.0022%; no homozygotes.

Submissions (3):

Labcorp Genetics (formerly Invitae), Labcorp
Classification: Pathogenic for Fanconi anemia. Last evaluated: 2025-12-09. Review status: criteria provided, single submitter. Criteria: Invitae Variant Classification Sherloc (09022015). Collection method: clinical testing. Allele origin: germline.
Comment: This sequence change creates a premature translational stop signal (p.Arg1424*) in the FANCM gene. It is expected to result in an absent or disrupted protein product. Loss-of-function variants in FANCM are known to be pathogenic (PMID: 29895858, 30075111). This variant is present in population databases (rs751954386, gnomAD 0.007%). This variant has not been reported in the literature in individuals affected with FANCM-related conditions. ClinVar contains an entry for this variant (Variation ID: 1069183). For these reasons, this variant has been classified as Pathogenic.

Quest Diagnostics Nichols Institute San Juan Capistrano
Classification: Pathogenic. Last evaluated: 2024-09-07. Review status: criteria provided, single submitter. Criteria: Quest Diagnostics criteria. Collection method: clinical testing. Allele origin: unknown.
Comment: The FANCM c.4270C>T (p.Arg1424*) variant causes the premature termination of FANCM protein synthesis. This variant has been reported in the published literature in individuals with breast cancer (PMID: 37444426 (2023), 33471991 (2021), see also LOVD). This variant has also been observed in a reportedly healthy individual (PMID: 33471991 (2021), see also LOVD). The frequency of this variant in the general population, 0.000035 (4/113276 chromosomes (Genome Aggregation Database)), is uninformative in the assessment of its pathogenicity. Based on the available information, this variant is classified as pathogenic.

GeneDx
Classification: Likely pathogenic. Last evaluated: 2023-05-18. Review status: criteria provided, single submitter. Criteria: GeneDx Variant Classification Process June 2021. Collection method: clinical testing. Allele origin: germline. Affected: yes.
Comment: Nonsense variant predicted to result in protein truncation or nonsense mediated decay in a gene for which loss-of-function is a known mechanism of disease; Not observed at significant frequency in large population cohorts (gnomAD); Has not been previously published as pathogenic or benign to our knowledge

Literature cited by the submitters: PubMed 29895858 (cited by Labcorp Genetics (formerly Invitae), Labcorp); PubMed 30075111 (cited by Labcorp Genetics (formerly Invitae), Labcorp); PubMed 37444426 (cited by Quest Diagnostics Nichols Institute San Juan Capistrano); PubMed 33471991 (cited by Quest Diagnostics Nichols Institute San Juan Capistrano).